The following is an entry in ClinVar:

ClinVar aggregate classification (germline): Likely benign. Review status: criteria provided, multiple submitters, no conflicts (2 of 4 stars). 3 submissions from 3 submitters: Likely benign (2). 1 of the submissions does not count toward it. Last evaluated 2021-07-23.

Conditions:
COPD, severe early onset. Also called: Pulmonary disease, chronic obstructive, severe early-onset. Identifiers: MedGen C1847014, MONDO:0011751.
Recessive dystrophic epidermolysis bullosa (RDEB). Also called: Epidermolysis Bullosa Distrophica Autosomal Recessive (RDEB); epidermolysis bullosa dystrophica, autosomal recessive; DYSTROPHIC EPIDERMOLYSIS BULLOSA, AUTOSOMAL RECESSIVE; EPIDERMOLYSIS BULLOSA DYSTROPHICA, HALLOPEAU-SIEMENS TYPE; severe generalized recessive dystrophic epidermolysis bullosa; Recessive DEB (RDEB). Identifiers: Orphanet 79408, Orphanet 79409, MedGen C0079474, MONDO:0009179, OMIM 226600.
MMP1-related disorder. Also called: MMP1-related condition.

Allele frequency attached by ClinVar (database versions not stated): 1000 Genomes Project 0.00060; gnomAD exomes 0.00209; 1000 Genomes Project 30x 0.00047; gnomAD 0.00204 and 0.00209; TOPMed 0.00200; ExAC 0.00216; ESP Exome Variant Server 0.00238.
gnomAD v4.1: 4,892 of 1,614,134 alleles (0.3%); highest among the groups gnomAD compares: Non-Finnish European, 0.37%; 8 homozygotes.

Submissions (3):

Fulgent Genetics
Classification: Likely benign for Recessive dystrophic epidermolysis bullosa; Chronic obstructive pulmonary disease. Last evaluated: 2021-07-23. Review status: criteria provided, single submitter. Criteria: ACMG Guidelines, 2015. Collection method: clinical testing. Allele origin: unknown.

Labcorp Genetics (formerly Invitae), Labcorp
Classification: Likely benign. Last evaluated: 2019-12-31. Review status: criteria provided, single submitter. Criteria: Invitae Variant Classification Sherloc (09022015). Collection method: clinical testing. Allele origin: germline.

PreventionGenetics, part of Exact Sciences
Classification: Likely benign for MMP1-related condition. Last evaluated: 2019-06-06. Review status: no assertion criteria provided. Collection method: clinical testing. Allele origin: germline. Not counted in ClinVar's aggregate classification.
Comment: This variant is classified as likely benign based on ACMG/AMP sequence variant interpretation guidelines (Richards et al. 2015 PMID: 25741868, with internal and published modifications).

NM_002421.4(MMP1):c.248C>A (p.Thr83Asn)

Gene: MMP1 (matrix metallopeptidase 1; minus strand). Cytogenetic location: 11q22.2.
Variant type: single nucleotide variant.
Coding change: c.248C>A on transcript NM_002421.4 (MANE Select); coding-DNA position 248, C replaced by A.
Protein change: p.Thr83Asn; replaces threonine 83 with asparagine.
Molecular consequence: missense variant.
Genome position (GRCh38, 1-based): chr11:102,797,358, G>T on the plus strand (C>A on the coding strand, the complement: MMP1 is on the minus strand). VCF-style: chr11-102797358-G-T. GRCh37 (hg19) VCF-style: chr11-102668089-G-T.
Other names: c.50C>A, p.Thr17Asn (NM_001145938.2); short protein forms T83N, T17N.
Identifiers: ClinVar variation 719395 (VCV000719395.7), dbSNP rs143788145, ClinGen allele CA6250708.